The following is an entry in ClinVar:

NM_000037.4(ANK1):c.3422_3423inv (p.Phe1141Ter)

Gene: ANK1 (ankyrin 1; minus strand). Cytogenetic location: 8p11.21.
Variant type: Inversion.
Coding change: c.3422_3423inv on transcript NM_000037.4 (MANE Select).
Protein change: p.Phe1141Ter; replaces phenylalanine 1141 with a stop codon.
Molecular consequence: nonsense.
Genome position: GRCh38 VCF-style: chr8-41694007-GA-TC. GRCh37 (hg19) VCF-style: chr8-41551525-GA-TC.
Other names: p.Phe1141*; c.3545_3546inv, p.Phe1182Ter (NM_001142446.2); c.3422_3423inv, p.Phe1141Ter (NM_020475.3, NM_020476.3, NM_020477.3); c.3422_3423delinsGA (NM_000037.4); short protein forms F1141*, F1182*.
Identifiers: ClinVar variation 3381035 (VCV003381035.1).

ClinVar aggregate classification (germline): Likely pathogenic (1 of 4 stars; one submission).

Submission:

Mayo Clinic Laboratories, Mayo Clinic
Classification: Likely pathogenic. Last evaluated: 2024-03-05. Review status: criteria provided, single submitter. Criteria: ACMG Guidelines, 2015. Collection method: clinical testing. Allele origin: germline. Observed: 1 variant allele.
Comment: PM2_moderate, PVS1